The following is an entry in ClinVar:

ClinVar aggregate classification (germline): Uncertain significance (1 of 4 stars; one submission).

Conditions:
Conotruncal heart malformations (CTHM). Also called: Conotruncal heart malformations, variable. Identifiers: Orphanet 2445, Orphanet 3384, Orphanet 3426, MedGen C1857586, MONDO:0016581, OMIM 217095.

Allele frequency attached by ClinVar (database versions not stated): gnomAD exomes 0.00001; gnomAD 0.00004 and 0.00005; TOPMed 0.00004.
gnomAD v4.1: 72 of 1,550,828 alleles (0.0046%); highest among the groups gnomAD compares: Non-Finnish European, 0.0061%; no homozygotes.

Submission:

Labcorp Genetics (formerly Invitae), Labcorp
Classification: Uncertain significance for Conotruncal heart malformations. Last evaluated: 2019-12-30. Review status: criteria provided, single submitter. Criteria: Invitae Variant Classification Sherloc (09022015). Collection method: clinical testing. Allele origin: germline.
Comment: In summary, the available evidence is currently insufficient to determine the role of this variant in disease. Therefore, it has been classified as a Variant of Uncertain Significance. Algorithms developed to predict the effect of sequence changes on RNA splicing suggest that this variant may create or strengthen a splice site, but this prediction has not been confirmed by published transcriptional studies. Algorithms developed to predict the effect of missense changes on protein structure and function are either unavailable or do not agree on the potential impact of this missense change (SIFT: "Deleterious"; PolyPhen-2: "Benign"; Align-GVGD: "Class C0"). This variant has not been reported in the literature in individuals with NKX2-6-related conditions. This variant is not present in population databases (ExAC no frequency). This sequence change replaces proline with serine at codon 225 of the NKX2-6 protein (p.Pro225Ser). The proline residue is weakly conserved and there is a moderate physicochemical difference between proline and serine.

NM_001136271.3(NKX2-6):c.673C>T (p.Pro225Ser)

Gene: NKX2-6 (NK2 homeobox 6; minus strand). Cytogenetic location: 8p21.2.
Variant type: single nucleotide variant.
Coding change: c.673C>T on transcript NM_001136271.3 (MANE Select); coding-DNA position 673, C replaced by T.
Protein change: p.Pro225Ser; replaces proline 225 with serine.
Molecular consequence: missense variant.
Genome position (GRCh38, 1-based): chr8:23,702,684, G>A on the plus strand (C>T on the coding strand, the complement: NKX2-6 is on the minus strand). VCF-style: chr8-23702684-G-A. GRCh37 (hg19) VCF-style: chr8-23560197-G-A.
Other names: short protein forms P225S.
Identifiers: ClinVar variation 849923 (VCV000849923.6), dbSNP rs913645847, ClinGen allele CA174010898.